The following is an entry in ClinVar:

ClinVar aggregate classification (germline): Uncertain significance. Review status: criteria provided, multiple submitters, no conflicts (2 of 4 stars). 2 submissions from 2 submitters: Uncertain significance (2). Last evaluated 2023-02-01.

Conditions:
Paget disease of bone 2, early-onset (PDB2). Also called: Paget disease of bone 2. Identifiers: MedGen C4085251, MONDO:0011183, OMIM 602080.
Frontotemporal dementia and/or amyotrophic lateral sclerosis 1 (FTDALS1). Also called: Frontotemporal dementia with motor neuron disease 1; C9orf72 Frontotemporal Dementia and/or Amyotrophic Lateral Sclerosis. Identifiers: Orphanet 275872, MedGen C5779877, MONDO:0007105, OMIM 105550.

Allele frequency attached by ClinVar (database versions not stated): ExAC 0.00001; gnomAD 0.00001.

Submissions (2):

Labcorp Genetics (formerly Invitae), Labcorp
Classification: Uncertain significance for Paget disease of bone 2, early-onset; Frontotemporal dementia and/or amyotrophic lateral sclerosis 1. Last evaluated: 2023-02-01. Review status: criteria provided, single submitter. Criteria: Invitae Variant Classification Sherloc (09022015). Collection method: clinical testing. Allele origin: germline.
Comment: This sequence change replaces cysteine, which is neutral and slightly polar, with tyrosine, which is neutral and polar, at codon 289 of the SQSTM1 protein (p.Cys289Tyr). This variant is present in population databases (rs757493001, gnomAD 0.0009%). This variant has not been reported in the literature in individuals affected with SQSTM1-related conditions. ClinVar contains an entry for this variant (Variation ID: 1359811). Advanced modeling of protein sequence and biophysical properties (such as structural, functional, and spatial information, amino acid conservation, physicochemical variation, residue mobility, and thermodynamic stability) performed at Invitae indicates that this missense variant is not expected to disrupt SQSTM1 protein function. In summary, the available evidence is currently insufficient to determine the role of this variant in disease. Therefore, it has been classified as a Variant of Uncertain Significance.

Revvity Omics, Revvity
Classification: Uncertain significance. Last evaluated: 2021-11-16. Review status: criteria provided, single submitter. Criteria: ACMG Guidelines, 2015. Collection method: clinical testing. Allele origin: germline.

NM_003900.5(SQSTM1):c.866G>A (p.Cys289Tyr)

Gene: SQSTM1 (sequestosome 1; plus strand). Cytogenetic location: 5q35.3.
Variant type: single nucleotide variant.
Coding change: c.866G>A on transcript NM_003900.5 (MANE Select); coding-DNA position 866, G replaced by A.
Protein change: p.Cys289Tyr; replaces cysteine 289 with tyrosine.
Molecular consequence: missense variant.
Genome position (GRCh38, 1-based): chr5:179,833,143, G>A. VCF-style: chr5-179833143-G-A. GRCh37 (hg19) VCF-style: chr5-179260143-G-A.
Other names: c.614G>A, p.Cys205Tyr (NM_001142298.2, NM_001142299.2); short protein forms C289Y, C205Y.
Identifiers: ClinVar variation 1359811 (VCV001359811.10), dbSNP rs757493001, ClinGen allele CA3600708.